The following is an entry in ClinVar:

ClinVar aggregate classification (germline): Uncertain significance (1 of 4 stars; one submission).

Conditions:
Granulomatous disease, chronic, X-linked. Also called: GRANULOMATOUS DISEASE, CHRONIC, X-LINKED, SOMATIC MOSAIC; CYTOCHROME b-NEGATIVE GRANULOMATOUS DISEASE, CHRONIC, X-LINKED. Identifiers: Orphanet 379, MedGen C1844376, MONDO:0010600, OMIM 306400.

Allele frequency attached by ClinVar (database versions not stated): gnomAD exomes below 0.00001 and 0.00001; gnomAD 0.00001; TOPMed 0.00001.
gnomAD v4.1: 4 of 1,210,058 alleles (0.00033%); highest among the groups gnomAD compares: Non-Finnish European, 0.00045%; no homozygotes.

Submission:

Labcorp Genetics (formerly Invitae), Labcorp
Classification: Uncertain significance for Granulomatous disease, chronic, X-linked. Last evaluated: 2023-05-27. Review status: criteria provided, single submitter. Criteria: Invitae Variant Classification Sherloc (09022015). Collection method: clinical testing. Allele origin: germline.
Comment: In summary, the available evidence is currently insufficient to determine the role of this variant in disease. Therefore, it has been classified as a Variant of Uncertain Significance. Advanced modeling of protein sequence and biophysical properties (such as structural, functional, and spatial information, amino acid conservation, physicochemical variation, residue mobility, and thermodynamic stability) performed at Invitae indicates that this missense variant is not expected to disrupt CYBB protein function. ClinVar contains an entry for this variant (Variation ID: 963979). This variant has not been reported in the literature in individuals affected with CYBB-related conditions. This variant is present in population databases (no rsID available, gnomAD 0.001%). This sequence change replaces alanine, which is neutral and non-polar, with valine, which is neutral and non-polar, at codon 394 of the CYBB protein (p.Ala394Val).

NM_000397.4(CYBB):c.1181C>T (p.Ala394Val)

Gene: CYBB (cytochrome b-245 beta chain; plus strand). Cytogenetic location: Xp11.4.
Variant type: single nucleotide variant.
Coding change: c.1181C>T on transcript NM_000397.4 (MANE Select); coding-DNA position 1181, C replaced by T.
Protein change: p.Ala394Val; replaces alanine 394 with valine.
Molecular consequence: missense variant.
Genome position (GRCh38, 1-based): chrX:37,805,035, C>T. VCF-style: chrX-37805035-C-T. GRCh37 (hg19) VCF-style: chrX-37664288-C-T.
Other names: short protein forms A394V.
Identifiers: ClinVar variation 963979 (VCV000963979.9), dbSNP rs1159898408, ClinGen allele CA412977667.